The following is an entry in ClinVar:

ClinVar aggregate classification (germline): Uncertain significance (1 of 4 stars; one submission).

Allele frequency attached by ClinVar (database versions not stated): gnomAD 0.00001; ExAC 0.00002; gnomAD exomes 0.00001; TOPMed 0.00001.
gnomAD v4.1: 12 of 1,613,796 alleles (0.00074%); highest among the groups gnomAD compares: East Asian, 0.0045%; no homozygotes.

Submission:

Labcorp Genetics (formerly Invitae), Labcorp
Classification: Uncertain significance. Last evaluated: 2024-10-24. Review status: criteria provided, single submitter. Criteria: Invitae Variant Classification Sherloc (09022015). Collection method: clinical testing. Allele origin: germline.
Comment: This sequence change replaces glycine, which is neutral and non-polar, with arginine, which is basic and polar, at codon 1500 of the PCDH15 protein (p.Gly1500Arg). This variant is present in population databases (rs779331321, gnomAD 0.01%). This variant has not been reported in the literature in individuals affected with PCDH15-related conditions. ClinVar contains an entry for this variant (Variation ID: 2144034). Invitae Evidence Modeling of protein sequence and biophysical properties (such as structural, functional, and spatial information, amino acid conservation, physicochemical variation, residue mobility, and thermodynamic stability) indicates that this missense variant is not expected to disrupt PCDH15 protein function with a negative predictive value of 95%. Algorithms developed to predict the effect of sequence changes on RNA splicing suggest that this variant may disrupt the consensus splice site. In summary, the available evidence is currently insufficient to determine the role of this variant in disease. Therefore, it has been classified as a Variant of Uncertain Significance.

NM_033056.4(PCDH15):c.4498G>A (p.Gly1500Arg)

Gene: PCDH15 (protocadherin related 15; minus strand). Cytogenetic location: 10q21.1.
Variant type: single nucleotide variant.
Coding change: c.4498G>A on transcript NM_033056.4 (MANE Plus Clinical); coding-DNA position 4498, G replaced by A.
Protein change: p.Gly1500Arg; replaces glycine 1500 with arginine.
Molecular consequence: missense variant. On other transcripts: intron variant (8).
Genome position (GRCh38, 1-based): chr10:53,823,228, C>T on the plus strand (G>A on the coding strand, the complement: PCDH15 is on the minus strand). VCF-style: chr10-53823228-C-T. GRCh37 (hg19) VCF-style: chr10-55582988-C-T.
Other names: c.4519G>A, p.Gly1507Arg (NM_001142763.2); c.4504G>A, p.Gly1502Arg (NM_001142764.2); c.4291G>A, p.Gly1431Arg (NM_001142765.2); c.4489G>A, p.Gly1497Arg (NM_001142766.2); c.4378G>A, p.Gly1460Arg (NM_001142767.2); c.4438G>A, p.Gly1480Arg (NM_001142768.2); c.4429G>A, p.Gly1477Arg (NM_001142773.2); c.4432G>A, p.Gly1478Arg (NM_001354404.2); and 6 more; short protein forms G1480R, G1507R, G1431R, G1477R, G1478R, G1500R, G1460R, G1502R.
Identifiers: ClinVar variation 2144034 (VCV002144034.3), dbSNP rs779331321, ClinGen allele CA5505265.